The following is an entry in ClinVar:

ClinVar aggregate classification (germline): Uncertain significance. Review status: criteria provided, multiple submitters, no conflicts (2 of 4 stars). 2 submissions from 2 submitters: Uncertain significance (2). Last evaluated 2025-11-07.

Conditions:
Glycogen storage disease type III (GSD3). Also called: FORBES DISEASE; Cori disease. Identifiers: Orphanet 366, MedGen C0017922, MONDO:0009291, OMIM 232400.
Inborn genetic diseases. Identifiers: MedGen C0950123, MeSH D030342.

Allele frequency attached by ClinVar (database versions not stated): TOPMed below 0.00001.
gnomAD v4.1: 1 of 1,613,946 alleles (0.000062%); highest among the groups gnomAD compares: Non-Finnish European, 0.000085%; no homozygotes.

Submissions (2):

Ambry Genetics
Classification: Uncertain significance for Inborn genetic diseases. Last evaluated: 2025-11-07. Review status: criteria provided, single submitter. Criteria: Ambry Variant Classification Scheme 2023. Collection method: clinical testing. Allele origin: germline.

Labcorp Genetics (formerly Invitae), Labcorp
Classification: Uncertain significance for Glycogen storage disease type III. Last evaluated: 2023-05-23. Review status: criteria provided, single submitter. Criteria: Invitae Variant Classification Sherloc (09022015). Collection method: clinical testing. Allele origin: germline.
Comment: In summary, the available evidence is currently insufficient to determine the role of this variant in disease. Therefore, it has been classified as a Variant of Uncertain Significance. Advanced modeling of protein sequence and biophysical properties (such as structural, functional, and spatial information, amino acid conservation, physicochemical variation, residue mobility, and thermodynamic stability) performed at Invitae indicates that this missense variant is expected to disrupt AGL protein function. This variant has not been reported in the literature in individuals affected with AGL-related conditions. This variant is not present in population databases (gnomAD no frequency). This sequence change replaces threonine, which is neutral and polar, with isoleucine, which is neutral and non-polar, at codon 678 of the AGL protein (p.Thr678Ile).

NM_000642.3(AGL):c.2033C>T (p.Thr678Ile)

Gene: AGL (amylo-alpha-1,6-glucosidase and 4-alpha-glucanotransferase; plus strand). Cytogenetic location: 1p21.2.
Variant type: single nucleotide variant.
Coding change: c.2033C>T on transcript NM_000642.3 (MANE Select); coding-DNA position 2033, C replaced by T.
Protein change: p.Thr678Ile; replaces threonine 678 with isoleucine.
Molecular consequence: missense variant.
Genome position (GRCh38, 1-based): chr1:99,881,323, C>T. VCF-style: chr1-99881323-C-T. GRCh37 (hg19) VCF-style: chr1-100346879-C-T.
Other names: c.2033C>T, p.Thr678Ile (NM_000028.3, NM_000643.3, NM_000644.3 and 2 more transcripts); c.1985C>T, p.Thr662Ile (NM_000646.3); c.1832C>T, p.Thr611Ile (NM_001425327.1); c.1829C>T, p.Thr610Ile (NM_001425328.1, NM_001425329.1); c.1655C>T, p.Thr552Ile (NM_001425332.1); c.2033C>T (NM_000642.2); short protein forms T552I, T610I, T611I, T678I, T662I.
Identifiers: ClinVar variation 2807856 (VCV002807856.2), dbSNP rs1198908336, ClinGen allele CA341318656.